The following is an entry in ClinVar:

NM_001142864.4(PIEZO1):c.2966T>A (p.Phe989Tyr)

Genes: HSALR1 (HSP90AB1 associated lncRNA 1; plus strand), PIEZO1 (piezo type mechanosensitive ion channel component 1 (Er blood group); minus strand). Cytogenetic location: 16q24.3.
Variant type: single nucleotide variant.
Coding change: c.2966T>A on transcript NM_001142864.4 (MANE Select); coding-DNA position 2966, T replaced by A.
Protein change: p.Phe989Tyr; replaces phenylalanine 989 with tyrosine.
Molecular consequence: missense variant.
Genome position (GRCh38, 1-based): chr16:88,732,360, A>T on the plus strand (T>A on the coding strand, the complement: PIEZO1 is on the minus strand). VCF-style: chr16-88732360-A-T. GRCh37 (hg19) VCF-style: chr16-88798768-A-T.
Other names: c.1508T>A, p.Phe503Tyr (NM_014745.1); short protein forms F503Y, F989Y.
Identifiers: ClinVar variation 2689717 (VCV002689717.3), dbSNP rs938012206, ClinGen allele CA286420350.
Genomic context (GRCh38, chr16:88,732,360, plus strand): 5'-CCCTGCCCCAGGGGGAGGCAATGTCCTTGCCTCACCTCCAGCCCGAATTTGTAGAAGAAG[A>T]AGTTGATGAAGTACTTGAGGCAGCCGAGCAGATCCTGGTCCAGCTGCTGGCGGGTGCCGC-3'
Protein context (NP_001136336.2, residues 979-999): LLGCLKYFIN[Phe989Tyr]FFYKFGLEIC

ClinVar aggregate classification (germline): Uncertain significance. Review status: criteria provided, multiple submitters, no conflicts (2 of 4 stars). 2 submissions from 2 submitters: Uncertain significance (2). Last evaluated 2024-12-26.

Conditions:
Lymphatic malformation 6 (LMPHM6). Also called: PIEZO1-related generalized lymphatic dysplasia with non-immune hydrops fetalis; GENERALIZED LYMPHATIC DYSPLASIA OF FOTIOU; Lymphedema, hereditary, III. Identifiers: Orphanet 568062, MedGen C4225184, MONDO:0014797, OMIM 616843.

Allele frequency attached by ClinVar (database versions not stated): gnomAD exomes 0.00001.

Submissions (2):

Revvity Omics, Revvity
Classification: Uncertain significance. Last evaluated: 2024-12-26. Review status: criteria provided, single submitter. Criteria: ACMG Guidelines, 2015. Collection method: clinical testing. Allele origin: germline.

Clinical Genomics Laboratory, Washington University in St. Louis
Classification: Uncertain significance for Lymphatic malformation 6. Last evaluated: 2024-11-19. Review status: criteria provided, single submitter. Criteria: ACMG Guidelines, 2015. Collection method: clinical testing. Allele origin: germline.
Comment: A PIEZO1 c.2966T>A (p.Phe989Tyr) variant was identified at a near heterozygous allelic fraction of 48.2%, a frequency which may be consistent with germline origin. This variant, to our knowledge, has not been reported in the medical literature. It is only observed in 23/1,549,506 alleles in the general population (gnomAD v.4.1.0), indicating it is not a common variant. Computational predictors suggest that the variant does not impact PIEZO1 function. Due to limited information, and based on ACMG/AMP guidelines for variant interpretation (Richards S et al., PMID: 25741868), the clinical significance of this variant is uncertain at this time.